The following is an entry in ClinVar:

NM_000521.4(HEXB):c.992_993insAGTATGTA (p.Ser331fs)

Gene: HEXB (hexosaminidase subunit beta; plus strand). Cytogenetic location: 5q13.3.
Variant type: Insertion.
Coding change: c.992_993insAGTATGTA on transcript NM_000521.4 (MANE Select); coding-DNA positions 992 to 993, AGTATGTA inserted.
Protein change: p.Ser331fs; shifts the reading frame from serine 331.
Molecular consequence: frameshift variant.
Genome position: GRCh38 VCF-style: chr5-74715600-G-GAGTATGTA. GRCh37 (hg19) VCF-style: chr5-74011425-G-GAGTATGTA.
Other names: c.317_318insAGTATGTA, p.Ser106fs (NM_001292004.2); short protein forms S331fs, S106fs.
Identifiers: ClinVar variation 1459374 (VCV001459374.6), dbSNP rs2112175171, ClinGen allele CA2573139792.

ClinVar aggregate classification (germline): Pathogenic (1 of 4 stars; one submission).

Conditions:
Sandhoff disease. Also called: GM2-GANGLIOSIDOSIS, TYPE II; HEXOSAMINIDASES A AND B DEFICIENCY; Beta-hexosaminidase-beta-subunit deficiency; GM2 gangliosidosis, type 2; Total hexosaminidase deficiency; Sandhoff-Jatzkewitz-Pilz disease. Identifiers: Orphanet 796, MedGen C0036161, MONDO:0010006, OMIM 268800.

Submission:

Labcorp Genetics (formerly Invitae), Labcorp
Classification: Pathogenic for Sandhoff disease. Last evaluated: 2021-10-27. Review status: criteria provided, single submitter. Criteria: Invitae Variant Classification Sherloc (09022015). Collection method: clinical testing. Allele origin: germline.
Comment: For these reasons, this variant has been classified as Pathogenic. Algorithms developed to predict the effect of sequence changes on RNA splicing suggest that this variant may create or strengthen a splice site. This variant has not been reported in the literature in individuals affected with HEXB-related conditions. This variant is not present in population databases (gnomAD no frequency). This sequence change creates a premature translational stop signal (p.Ser331Argfs*44) in the HEXB gene. It is expected to result in an absent or disrupted protein product. Loss-of-function variants in HEXB are known to be pathogenic (PMID: 7550345, 18758829).

Literature cited by the submitters: PubMed 7550345; PubMed 18758829.